The following is an entry in ClinVar:

NM_006939.4(SOS2):c.208G>C (p.Val70Leu)

Gene: SOS2 (SOS Ras/Rho guanine nucleotide exchange factor 2; minus strand). Cytogenetic location: 14q21.3.
Variant type: single nucleotide variant.
Coding change: c.208G>C on transcript NM_006939.4 (MANE Select); coding-DNA position 208, G replaced by C.
Protein change: p.Val70Leu; replaces valine 70 with leucine.
Molecular consequence: missense variant.
Genome position (GRCh38, 1-based): chr14:50,204,289, C>G on the plus strand (G>C on the coding strand, the complement: SOS2 is on the minus strand). VCF-style: chr14-50204289-C-G. GRCh37 (hg19) VCF-style: chr14-50671007-C-G.
Other names: c.208G>C, p.Val70Leu (NM_001411020.1); c.208G>C (NM_006939.2); short protein forms V70L.
Identifiers: ClinVar variation 3603842 (VCV003603842.3).

ClinVar aggregate classification (germline): Uncertain significance. Review status: criteria provided, multiple submitters, no conflicts (2 of 4 stars). 2 submissions from 2 submitters: Uncertain significance (2). Last evaluated 2026-02-23.

Conditions:
Cardiovascular phenotype. Identifiers: MedGen CN230736.
Noonan syndrome 9 (NS9). Identifiers: Orphanet 648, MedGen C4225282, MONDO:0014691, OMIM 616559.

gnomAD v4.1: 1 of 1,571,340 alleles (0.000064%); highest among the groups gnomAD compares: Non-Finnish European, 0.000086%; no homozygotes.

Submissions (2):

Ambry Genetics
Classification: Uncertain significance for Cardiovascular phenotype. Last evaluated: 2026-02-23. Review status: criteria provided, single submitter. Criteria: Ambry Variant Classification Scheme 2023. Collection method: clinical testing. Allele origin: germline.
Comment: The c.208G>C (p.V70L) alteration is located in exon 2 (coding exon 2) of the SOS2 gene. This alteration results from a G to C substitution at nucleotide position 208, causing the valine (V) at amino acid position 70 to be replaced by a leucine (L). Based on data from gnomAD, the C allele has an overall frequency of <0.001% (1/223822) total alleles studied. The highest observed frequency was 0.001% (1/106176) of European (non-Finnish) alleles. Based on insufficient or conflicting evidence, the clinical significance of this alteration remains unclear.

Labcorp Genetics (formerly Invitae), Labcorp
Classification: Uncertain significance for Noonan syndrome 9. Last evaluated: 2025-01-08. Review status: criteria provided, single submitter. Criteria: Invitae Variant Classification Sherloc (09022015). Collection method: clinical testing. Allele origin: germline.
Comment: This sequence change replaces valine, which is neutral and non-polar, with leucine, which is neutral and non-polar, at codon 70 of the SOS2 protein (p.Val70Leu). This variant is not present in population databases (gnomAD no frequency). This variant has not been reported in the literature in individuals affected with SOS2-related conditions. Invitae Evidence Modeling of protein sequence and biophysical properties (such as structural, functional, and spatial information, amino acid conservation, physicochemical variation, residue mobility, and thermodynamic stability) indicates that this missense variant is not expected to disrupt SOS2 protein function with a negative predictive value of 95%. In summary, the available evidence is currently insufficient to determine the role of this variant in disease. Therefore, it has been classified as a Variant of Uncertain Significance.